The following is an entry in ClinVar:

ClinVar aggregate classification (germline): Uncertain significance (1 of 4 stars; one submission).

Allele frequency attached by ClinVar (database versions not stated): gnomAD 0.00001; gnomAD exomes 0.00001 and 0.00003; TOPMed 0.00001; ExAC 0.00004.
gnomAD v4.1: 20 of 1,613,578 alleles (0.0012%); highest among the groups gnomAD compares: Middle Eastern, 0.13%; no homozygotes.

Submission:

Labcorp Genetics (formerly Invitae), Labcorp
Classification: Uncertain significance. Last evaluated: 2021-09-24. Review status: criteria provided, single submitter. Criteria: Invitae Variant Classification Sherloc (09022015). Collection method: clinical testing. Allele origin: germline.
Comment: This sequence change replaces isoleucine with valine at codon 606 of the C7 protein (p.Ile606Val). The isoleucine residue is moderately conserved and there is a small physicochemical difference between isoleucine and valine. This variant is present in population databases (rs571577993, ExAC 0.007%). This variant has not been reported in the literature in individuals with C7-related conditions. Algorithms developed to predict the effect of missense changes on protein structure and function output the following: SIFT: "Tolerated"; PolyPhen-2: "Benign"; Align-GVGD: "Class C0". The valine amino acid residue is found in multiple mammalian species, suggesting that this missense change does not adversely affect protein function. These predictions have not been confirmed by published functional studies and their clinical significance is uncertain. In summary, the available evidence is currently insufficient to determine the role of this variant in disease. Therefore, it has been classified as a Variant of Uncertain Significance.

NM_000587.4(C7):c.1816A>G (p.Ile606Val)

Gene: C7 (complement C7; plus strand). Cytogenetic location: 5p13.1.
Variant type: single nucleotide variant.
Coding change: c.1816A>G on transcript NM_000587.4 (MANE Select); coding-DNA position 1816, A replaced by G.
Protein change: p.Ile606Val; replaces isoleucine 606 with valine.
Molecular consequence: missense variant.
Genome position (GRCh38, 1-based): chr5:40,964,807, A>G. VCF-style: chr5-40964807-A-G. GRCh37 (hg19) VCF-style: chr5-40964909-A-G.
Other names: short protein forms I606V.
Identifiers: ClinVar variation 1384929 (VCV001384929.5), dbSNP rs571577993, ClinGen allele CA3250098.